The following is an entry in ClinVar:

ClinVar aggregate classification (germline): Uncertain significance (1 of 4 stars; one submission).

Conditions:
Mucopolysaccharidosis, MPS-III-A (MPS3A). Also called: Mucopolysaccharidosis, type IIIA; mucopolysaccharidosis type 3A; MPS IIIA (Sanfilippo Syndrome Type A); HEPARAN SULFATE SULFATASE DEFICIENCY; Mucopolysaccharidosis type IIIA (Sanfilippo A); SANFILIPPO SYNDROME A. Identifiers: Orphanet 581, Orphanet 79269, MedGen C0086647, MONDO:0009655, OMIM 252900.

Allele frequency attached by ClinVar (database versions not stated): ExAC 0.00002; gnomAD exomes 0.00004 and 0.00001; gnomAD 0.00001 and 0.00003; ESP Exome Variant Server 0.00008; TOPMed 0.00004.
gnomAD v4.1: 58 of 1,613,804 alleles (0.0036%); highest among the groups gnomAD compares: Non-Finnish European, 0.0044%; no homozygotes.

Submission:

Labcorp Genetics (formerly Invitae), Labcorp
Classification: Uncertain significance for Mucopolysaccharidosis, MPS-III-A. Last evaluated: 2022-08-16. Review status: criteria provided, single submitter. Criteria: Invitae Variant Classification Sherloc (09022015). Collection method: clinical testing. Allele origin: germline.
Comment: This sequence change replaces arginine, which is basic and polar, with cysteine, which is neutral and slightly polar, at codon 435 of the SGSH protein (p.Arg435Cys). This variant is present in population databases (rs373496399, gnomAD 0.004%). This variant has not been reported in the literature in individuals affected with SGSH-related conditions. ClinVar contains an entry for this variant (Variation ID: 1369601). Advanced modeling of protein sequence and biophysical properties (such as structural, functional, and spatial information, amino acid conservation, physicochemical variation, residue mobility, and thermodynamic stability) performed at Invitae indicates that this missense variant is expected to disrupt SGSH protein function. In summary, the available evidence is currently insufficient to determine the role of this variant in disease. Therefore, it has been classified as a Variant of Uncertain Significance.

NM_000199.5(SGSH):c.1303C>T (p.Arg435Cys)

Gene: SGSH (N-sulfoglucosamine sulfohydrolase; minus strand). Cytogenetic location: 17q25.3.
Variant type: single nucleotide variant.
Coding change: c.1303C>T on transcript NM_000199.5 (MANE Select); coding-DNA position 1303, C replaced by T.
Protein change: p.Arg435Cys; replaces arginine 435 with cysteine.
Molecular consequence: missense variant. On other transcripts: 3 prime UTR variant (2), non-coding transcript variant (1).
Genome position (GRCh38, 1-based): chr17:80,210,658, G>A on the plus strand (C>T on the coding strand, the complement: SGSH is on the minus strand). VCF-style: chr17-80210658-G-A. GRCh37 (hg19) VCF-style: chr17-78184457-G-A.
Other names: c.*390C>T (NM_001352921.3); c.*353C>T (NM_001352922.2); short protein forms R435C.
Identifiers: ClinVar variation 1369601 (VCV001369601.3), dbSNP rs373496399, ClinGen allele CA8817619.